The following is an entry in ClinVar:

ClinVar aggregate classification (germline): Benign (1 of 4 stars; one submission).

Conditions:
Landau-Kleffner syndrome (FESD). Also called: EPILEPSY, FOCAL, WITH SPEECH DISORDER AND WITH OR WITHOUT MENTAL RETARDATION; APHASIA, ACQUIRED, WITH EPILEPSY. Identifiers: Orphanet 1945, Orphanet 725, Orphanet 98818, MedGen C0282512, MONDO:0009509, OMIM 245570.

Allele frequency attached by ClinVar (database versions not stated): 1000 Genomes Project 0.01697; 1000 Genomes Project 30x 0.01889; gnomAD 0.01737 and 0.01879; TOPMed 0.01979; gnomAD exomes 0.00355.
gnomAD v4.1: 2,873 of 219,648 alleles (1.3%); highest among the groups gnomAD compares: African/African-American, 5.9%; 62 homozygotes.

Submission:

Illumina Laboratory Services, Illumina
Classification: Benign for Landau-Kleffner syndrome. Last evaluated: 2018-01-12. Review status: criteria provided, single submitter. Criteria: ICSL Variant Classification Criteria 13 December 2019. Collection method: clinical testing. Allele origin: germline.
Comment: This variant was observed in the ICSL laboratory as part of a predisposition screen in an ostensibly healthy population. It had not been previously curated by ICSL or reported in the Human Gene Mutation Database (HGMD: prior to June 1st, 2018), and was therefore a candidate for classification through an automated scoring system. Utilizing variant allele frequency, disease prevalence and penetrance estimates, and inheritance mode, an automated score was calculated to assess if this variant is too frequent to cause the disease. Based on the score and internal cut-off values, a variant classified as benign is not then subjected to further curation. The score for this variant resulted in a classification of benign for this disease.

NM_001134407.3(GRIN2A):c.*5942G>A

Gene: GRIN2A (glutamate ionotropic receptor NMDA type subunit 2A; minus strand). Cytogenetic location: 16p13.2.
Variant type: single nucleotide variant.
Coding change: c.*5942G>A on transcript NM_001134407.3 (MANE Select); 5942 bases downstream of the stop codon, G replaced by A.
Molecular consequence: 3 prime UTR variant.
Genome position (GRCh38, 1-based): chr16:9,757,207, C>T on the plus strand (G>A on the coding strand, the complement: GRIN2A is on the minus strand). VCF-style: chr16-9757207-C-T. GRCh37 (hg19) VCF-style: chr16-9851064-C-T.
Other names: c.*5942G>A (NM_000833.5); c.*6148G>A (NM_001134408.2).
Identifiers: ClinVar variation 321518 (VCV000321518.5), dbSNP rs16966255, ClinGen allele CA10644729.